The following is an entry in ClinVar:

NM_003265.3(TLR3):c.33G>C (p.Trp11Cys)

Gene: TLR3 (toll like receptor 3; plus strand). Cytogenetic location: 4q35.1.
Variant type: single nucleotide variant.
Coding change: c.33G>C on transcript NM_003265.3 (MANE Select); coding-DNA position 33, G replaced by C.
Protein change: p.Trp11Cys; replaces tryptophan 11 with cysteine.
Molecular consequence: missense variant.
Genome position (GRCh38, 1-based): chr4:186,076,652, G>C. VCF-style: chr4-186076652-G-C. GRCh37 (hg19) VCF-style: chr4-186997806-G-C.
Other names: short protein forms W11C.
Identifiers: ClinVar variation 2150749 (VCV002150749.6), dbSNP rs755127843, ClinGen allele CA3161143.

ClinVar aggregate classification (germline): Uncertain significance. Review status: criteria provided, multiple submitters, no conflicts (2 of 4 stars). 2 submissions from 2 submitters: Uncertain significance (2). Last evaluated 2025-10-08.

Conditions:
Encephalopathy, acute, infection-induced (herpes-specific), susceptibility to, 1. Also called: Herpes simplex encephalitis, susceptibility to, 1. Identifiers: Orphanet 1930, MedGen C2750180, MONDO:0024563, OMIM 610551.

gnomAD v4.1: 14 of 1,613,902 alleles (0.00087%); highest among the groups gnomAD compares: Admixed American, 0.013%; no homozygotes.

Submissions (2):

Labcorp Genetics (formerly Invitae), Labcorp
Classification: Uncertain significance for Encephalopathy, acute, infection-induced (herpes-specific), susceptibility to, 1. Last evaluated: 2025-10-08. Review status: criteria provided, single submitter. Criteria: Invitae Variant Classification Sherloc (09022015). Collection method: clinical testing. Allele origin: germline.
Comment: This sequence change replaces tryptophan, which is neutral and slightly polar, with cysteine, which is neutral and slightly polar, at codon 11 of the TLR3 protein (p.Trp11Cys). This variant is present in population databases (rs755127843, gnomAD 0.02%). This variant has not been reported in the literature in individuals affected with TLR3-related conditions. ClinVar contains an entry for this variant (Variation ID: 2150749). An algorithm developed to predict the effect of missense changes on protein structure and function (PolyPhen-2) suggests that this variant is likely to be tolerated. In summary, the available evidence is currently insufficient to determine the role of this variant in disease. Therefore, it has been classified as a Variant of Uncertain Significance.

Ambry Genetics
Classification: Uncertain significance. Last evaluated: 2024-12-13. Review status: criteria provided, single submitter. Criteria: Ambry Variant Classification Scheme 2023. Collection method: clinical testing. Allele origin: germline.